The following is an entry in ClinVar:

ClinVar aggregate classification (germline): Uncertain significance (1 of 4 stars; one submission).

Conditions:
Catecholaminergic polymorphic ventricular tachycardia (CVPT). Also called: Catecholamine-induced polymorphic ventricular tachycardia. Identifiers: Orphanet 3286, MedGen C5574922, MONDO:0017990.

Submission:

Labcorp Genetics (formerly Invitae), Labcorp
Classification: Uncertain significance for Catecholaminergic polymorphic ventricular tachycardia 1. Last evaluated: 2016-12-08. Review status: criteria provided, single submitter. Criteria: Invitae Variant Classification Sherloc (09022015). Collection method: clinical testing. Allele origin: germline.
Comment: This variant is a gross deletion of the genomic region encompassing exon 34 of the TRDN gene. This is predicted to lead to an in-frame deletion, preserving the integrity of the reading frame. This variant has not been reported in the literature in individuals with a TRDN-related disease. Experimental studies and prediction algorithms are not available for this variant, and the functional significance of the deleted amino acids is currently unknown. In summary, this variant is a novel in-frame deletion with uncertain impact on protein function. It has been classified as a Variant of Uncertain Significance.

NC_000006.12:g.(?_123260612)_(123260638_?)del

Gene: TRDN (triadin; minus strand). Cytogenetic location: 6q22.31.
Variant type: Deletion.
Identifiers: ClinVar variation 417447 (VCV000417447.2).